The following is an entry in ClinVar:

ClinVar aggregate classification (germline): Likely pathogenic (1 of 4 stars; one submission).

Conditions:
Familial thoracic aortic aneurysm and aortic dissection (TAAD). Also called: Thoracic aortic aneurysms and dissections. Identifiers: Orphanet 91387, MedGen C4707243, MONDO:0019625.

Submission:

Labcorp Genetics (formerly Invitae), Labcorp
Classification: Likely pathogenic for Familial thoracic aortic aneurysm and aortic dissection. Last evaluated: 2017-03-22. Review status: criteria provided, single submitter. Criteria: Invitae Variant Classification Sherloc (09022015). Collection method: clinical testing. Allele origin: germline.
Comment: This variant has been found to co-segregate with disease in a family with aortic aneurysm/aortic replacement (Invitae). In summary, this variant is a rare deletion with unknown impact on protein function and it has been found to co-segregate with disease in one family. Therefore, this variant has been classified as Likely Pathogenic. Experimental studies and prediction algorithms are not available for this variant, and the functional significance of the deleted amino acids is currently unknown. This variant has not been reported in the literature in an individual with a SMAD3-related disease. This variant is a gross deletion of the genomic region encompassing exon 9 of the SMAD3 gene. The 5' boundary is likely confined to intron 8. The 3' end of this event is unknown as it extends through the termination codon beyond the assayed region for this gene and may encompass additional genes. While this deletion is not anticipated to result in nonsense mediated decay, it is expected to create a truncated protein product or disrupt mRNA translation.

NC_000015.10:g.(?_67190393)_(67190556_?)del

Gene: SMAD3 (SMAD family member 3; plus strand). Cytogenetic location: 15q22.33.
Variant type: Deletion.
Identifiers: ClinVar variation 477531 (VCV000477531.5).